The following is an entry in ClinVar:

NM_000642.3(AGL):c.3362+5G>T

Gene: AGL (amylo-alpha-1,6-glucosidase and 4-alpha-glucanotransferase; plus strand). Cytogenetic location: 1p21.2.
Variant type: single nucleotide variant.
Coding change: c.3362+5G>T on transcript NM_000642.3 (MANE Select); 5 bases into the intron after coding-DNA position 3362, G replaced by T.
Molecular consequence: intron variant.
Genome position (GRCh38, 1-based): chr1:99,896,393, G>T. VCF-style: chr1-99896393-G-T. GRCh37 (hg19) VCF-style: chr1-100361949-G-T.
Other names: c.3362+5G>T (NM_000643.3, NM_000644.3, NM_001425325.1 and 1 more transcripts); c.3314+5G>T (NM_000646.3); c.3341+5G>T (NM_001425326.1); c.3161+5G>T (NM_001425327.1); c.3158+5G>T (NM_001425328.1); c.3023+5G>T (NM_001425329.1); c.2984+5G>T (NM_001425332.1).
Identifiers: ClinVar variation 1056022 (VCV001056022.4), dbSNP rs2100804143, ClinGen allele CA2499214942.

ClinVar aggregate classification (germline): Uncertain significance (1 of 4 stars; one submission).

Conditions:
Glycogen storage disease type III (GSD3). Also called: FORBES DISEASE; Cori disease. Identifiers: Orphanet 366, MedGen C0017922, MONDO:0009291, OMIM 232400.

Submission:

Labcorp Genetics (formerly Invitae), Labcorp
Classification: Uncertain significance for Glycogen storage disease type III. Last evaluated: 2021-10-15. Review status: criteria provided, single submitter. Criteria: Invitae Variant Classification Sherloc (09022015). Collection method: clinical testing. Allele origin: germline.
Comment: This sequence change falls in intron 25 of the AGL gene. It does not directly change the encoded amino acid sequence of the AGL protein, but it affects a nucleotide within the consensus splice site of the intron. This variant is not present in population databases (ExAC no frequency). This variant has not been reported in the literature in individuals with AGL-related conditions. Nucleotide substitutions within the consensus splice site are a relatively common cause of aberrant splicing (PMID: 17576681, 9536098). Algorithms developed to predict the effect of sequence changes on RNA splicing suggest that this variant may disrupt the consensus splice site, but this prediction has not been confirmed by published transcriptional studies. In summary, the available evidence is currently insufficient to determine the role of this variant in disease. Therefore, it has been classified as a Variant of Uncertain Significance.

Literature cited by the submitters: PubMed 17576681; PubMed 9536098.